The following is an entry in ClinVar:

NM_017617.5(NOTCH1):c.707C>T (p.Thr236Met)

Gene: NOTCH1 (notch receptor 1; minus strand). Cytogenetic location: 9q34.3.
Variant type: single nucleotide variant.
Coding change: c.707C>T on transcript NM_017617.5 (MANE Select); coding-DNA position 707, C replaced by T.
Protein change: p.Thr236Met; replaces threonine 236 with methionine.
Molecular consequence: missense variant.
Genome position (GRCh38, 1-based): chr9:136,522,885, G>A on the plus strand (C>T on the coding strand, the complement: NOTCH1 is on the minus strand). VCF-style: chr9-136522885-G-A. GRCh37 (hg19) VCF-style: chr9-139417337-G-A.
Other names: c.707C>T, p.Thr236Met (LRG_1122t1); short protein forms T236M.
Identifiers: ClinVar variation 544172 (VCV000544172.12), dbSNP rs537766290, ClinGen allele CA5342099.

ClinVar aggregate classification (germline): Conflicting classifications of pathogenicity. Review status: criteria provided, conflicting classifications (1 of 4 stars). 5 submissions from 4 submitters: Uncertain significance (4); Benign (1). Last evaluated 2025-05-06.

Conditions:
Adams-Oliver syndrome 5 (AOS5). Identifiers: Orphanet 974, MedGen C4014970, MONDO:0014459, OMIM 616028.
Familial thoracic aortic aneurysm and aortic dissection (TAAD). Also called: Thoracic aortic aneurysms and dissections. Identifiers: Orphanet 91387, MedGen C4707243, MONDO:0019625.
Aortic valve disease 1 (AOVD1). Identifiers: MedGen C3887892, MONDO:0024523, OMIM 109730.

Allele frequency attached by ClinVar (database versions not stated): gnomAD 0.00001 and 0.00003; TOPMed 0.00001; gnomAD exomes 0.00003; ExAC 0.00014; 1000 Genomes Project 0.00040; 1000 Genomes Project 30x 0.00047.
gnomAD v4.1: 20 of 1,530,180 alleles (0.0013%); highest among the groups gnomAD compares: South Asian, 0.011%; no homozygotes.

Submissions (5):

Labcorp Genetics (formerly Invitae), Labcorp
Classification: Benign for Adams-Oliver syndrome 5. Last evaluated: 2025-05-06. Review status: criteria provided, single submitter. Criteria: Invitae Variant Classification Sherloc (09022015). Collection method: clinical testing. Allele origin: germline.

Ambry Genetics
Classification: Uncertain significance for Familial thoracic aortic aneurysm and aortic dissection. Last evaluated: 2025-03-31. Review status: criteria provided, single submitter. Criteria: Ambry Variant Classification Scheme 2023. Collection method: clinical testing. Allele origin: germline.
Comment: The p.T236M variant (also known as c.707C>T), located in coding exon 4 of the NOTCH1 gene, results from a C to T substitution at nucleotide position 707. The threonine at codon 236 is replaced by methionine, an amino acid with similar properties. This amino acid position is conserved. In addition, the in silico prediction for this alteration is inconclusive. Based on the available evidence, the clinical significance of this variant remains unclear.

Genome-Nilou Lab
Classification: Uncertain significance for Adams-Oliver syndrome 5. Last evaluated: 2022-03-15. Review status: criteria provided, single submitter. Criteria: ACMG Guidelines, 2015. Collection method: clinical testing. Allele origin: germline. Affected: no.

Genome-Nilou Lab
Classification: Uncertain significance for Aortic valve disease 1. Last evaluated: 2022-03-15. Review status: criteria provided, single submitter. Criteria: ACMG Guidelines, 2015. Collection method: clinical testing. Allele origin: germline. Affected: no.

GeneDx
Classification: Uncertain significance. Last evaluated: 2019-11-18. Review status: criteria provided, single submitter. Criteria: GeneDx Variant Classification Process June 2021. Collection method: clinical testing. Allele origin: germline. Affected: yes.
Comment: Has not been previously published as pathogenic or benign to our knowledge; Reported in ClinVar as a variant of uncertain significance but additional evidence is not available (ClinVar Variant ID# 544172; Landrum et al., 2016); In silico analysis, which includes protein predictors and evolutionary conservation, supports a deleterious effect